The following is an entry in ClinVar:

ClinVar aggregate classification (germline): Uncertain significance (1 of 4 stars; one submission).

gnomAD v4.1: 1 of 1,614,026 alleles (0.000062%); highest among the groups gnomAD compares: Non-Finnish European, 0.000085%; no homozygotes.

Submission:

Labcorp Genetics (formerly Invitae), Labcorp
Classification: Uncertain significance. Last evaluated: 2024-10-22. Review status: criteria provided, single submitter. Criteria: Invitae Variant Classification Sherloc (09022015). Collection method: clinical testing. Allele origin: germline.
Comment: This sequence change replaces cysteine, which is neutral and slightly polar, with phenylalanine, which is neutral and non-polar, at codon 72 of the CFHR5 protein (p.Cys72Phe). This variant is not present in population databases (gnomAD no frequency). This variant has not been reported in the literature in individuals affected with CFHR5-related conditions. Invitae Evidence Modeling of protein sequence and biophysical properties (such as structural, functional, and spatial information, amino acid conservation, physicochemical variation, residue mobility, and thermodynamic stability) indicates that this missense variant is expected to disrupt CFHR5 protein function with a positive predictive value of 80%. In summary, the available evidence is currently insufficient to determine the role of this variant in disease. Therefore, it has been classified as a Variant of Uncertain Significance.

NM_030787.4(CFHR5):c.215G>T (p.Cys72Phe)

Gene: CFHR5 (complement factor H related 5; plus strand). Cytogenetic location: 1q31.3.
Variant type: single nucleotide variant.
Coding change: c.215G>T on transcript NM_030787.4 (MANE Select); coding-DNA position 215, G replaced by T.
Protein change: p.Cys72Phe; replaces cysteine 72 with phenylalanine.
Molecular consequence: missense variant.
Genome position (GRCh38, 1-based): chr1:196,983,041, G>T. VCF-style: chr1-196983041-G-T. GRCh37 (hg19) VCF-style: chr1-196952171-G-T.
Other names: short protein forms C72F.
Identifiers: ClinVar variation 3678148 (VCV003678148.2).
Genomic context (GRCh38, chr1:196,983,041, plus strand): 5'-ATTACTCCTGTGAATATAATTTTGTGTCTCCTTCAAAATCCTTTTGGACTCGCATAACAT[G>T]CACAGAAGAAGGATGGTCACCAACACCGAAGTGTCTCAGTGAGTAAATGCCCTGTTCATT-3'
Protein context (NP_110414.1, residues 62-82): PSKSFWTRIT[Cys72Phe]TEEGWSPTPK